The following is an entry in ClinVar:

NM_006005.3(WFS1):c.1234G>C (p.Val412Leu)

Gene: WFS1 (wolframin ER transmembrane glycoprotein; plus strand). Cytogenetic location: 4p16.1.
Variant type: single nucleotide variant.
Coding change: c.1234G>C on transcript NM_006005.3 (MANE Select); coding-DNA position 1234, G replaced by C.
Protein change: p.Val412Leu; replaces valine 412 with leucine.
Molecular consequence: missense variant.
Genome position (GRCh38, 1-based): chr4:6,301,029, G>C. VCF-style: chr4-6301029-G-C. GRCh37 (hg19) VCF-style: chr4-6302756-G-C.
Other names: c.1234G>C, p.Val412Leu (NM_001145853.1); short protein forms V412L.
Identifiers: ClinVar variation 143131 (VCV000143131.22), dbSNP rs149865710, ClinGen allele CA232842.

ClinVar aggregate classification (germline): Conflicting classifications of pathogenicity. Review status: criteria provided, conflicting classifications (1 of 4 stars). 8 submissions from 7 submitters: Uncertain significance (5); Likely benign (2). 1 of the submissions does not count toward it. Last evaluated 2025-05-02.

Conditions:
WFS1-related disorder. Identifiers: MedGen CN379391, MONDO:0700293.
WFS1-Related Spectrum Disorders.
Autosomal dominant nonsyndromic hearing loss 6 (LFSNHL). Also called: DEAFNESS, AUTOSOMAL DOMINANT 6; Autosomal dominant nonsyndromic deafness 6; DEAFNESS, AUTOSOMAL DOMINANT 14; DEAFNESS, AUTOSOMAL DOMINANT 38. Identifiers: Orphanet 90635, MedGen C1833021, MONDO:0010963, OMIM 600965.

Allele frequency attached by ClinVar (database versions not stated): gnomAD 0.00001 and 0.00003; TOPMed 0.00003; 1000 Genomes Project 30x 0.00031; 1000 Genomes Project 0.00040.
gnomAD v4.1: 239 of 1,614,114 alleles (0.015%); highest among the groups gnomAD compares: East Asian, 0.51%; 3 homozygotes.

Submissions (8):

PreventionGenetics, part of Exact Sciences
Classification: Uncertain significance for WFS1-related condition. Last evaluated: 2025-05-02. Review status: criteria provided, single submitter. Criteria: ACMG Guidelines, 2015. Collection method: clinical testing. Allele origin: germline.
Comment: The WFS1 c.1234G>C variant is predicted to result in the amino acid substitution p.Val412Leu. This variant has been reported in individuals with diabetes and in individuals with sensorineural hearing loss. However, this variant was also reported in healthy controls (Kawamoto et al. 2004. PubMed ID: 15234338; Fukuoka et al. 2007. PubMed ID: 17492394; Li et al. 2023. PubMed ID: 37277527). This variant is reported in 0.098% of alleles in individuals of East Asian descent in gnomAD. Furthermore, in gnomAD v4 (available only on GRCh38), this variant is reported in 0.5% of alleles in a subpopulation, including three homozygotes. This population data is not consistent with this variant being a primary cause of disease. Although we suspect this variant may be benign, at this time, the clinical significance of this variant is uncertain due to the absence of conclusive functional and genetic evidence.

Labcorp Genetics (formerly Invitae), Labcorp
Classification: Likely benign. Last evaluated: 2024-09-23. Review status: criteria provided, single submitter. Criteria: Invitae Variant Classification Sherloc (09022015). Collection method: clinical testing. Allele origin: germline.

Blueprint Genetics
Classification: Uncertain significance. Last evaluated: 2024-06-04. Review status: criteria provided, single submitter. Criteria: ACMG Guidelines, 2015. Collection method: clinical testing. Allele origin: germline.

GeneDx
Classification: Uncertain significance. Last evaluated: 2024-05-30. Review status: criteria provided, single submitter. Criteria: GeneDx Variant Classification Process June 2021. Collection method: clinical testing. Allele origin: germline. Affected: yes.
Comment: Observed in individuals with type 1 or type 2 diabetes and in individuals with hearing loss, but also observed in control groups (PMID: 15234338, 17492394, 23856252, 37277527); In silico analysis indicates that this missense variant does not alter protein structure/function; This variant is associated with the following publications: (PMID: 23856252, 17492394, 37277527, 15234338)

Laboratory for Molecular Medicine, Mass General Brigham Personalized Medicine
Classification: Uncertain significance. Last evaluated: 2019-08-12. Review status: criteria provided, single submitter. Criteria: LMM Criteria. Collection method: clinical testing. Allele origin: germline. Observed: 1 variant allele.
Comment: The p.Val412Leu variant in WFS1 has not been previously reported in individuals with hearing loss, Wolfram syndrome, or Wolfram-like syndrome. It has been identified in 0.097% (18/18392) of East Asian chromosomes by gnomAD. This variant has also been reported in ClinVar (Variation ID 143131). Computational prediction tools and conservation analyses do not provide strong support for or against an impact to the protein. In summary, the clinical significance of this variant is uncertain. ACMG/AMP Criteria applied: BS1_Supporting.

Illumina Laboratory Services, Illumina
Classification: Likely benign for Autosomal dominant nonsyndromic hearing loss 6. Last evaluated: 2017-06-20. Review status: criteria provided, single submitter. Criteria: ICSL Variant Classification Criteria 13 December 2019. Collection method: clinical testing. Allele origin: germline.
Comment: This variant was observed as part of a predisposition screen in an ostensibly healthy population. A literature search was performed for the gene, cDNA change, and amino acid change (where applicable). Publications were found based on this search. The evidence from the literature, in combination with allele frequency data from public databases where available, was sufficient to determine this variant is unlikely to cause disease. Therefore, this variant is classified as likely benign.

Illumina Laboratory Services, Illumina
Classification: Uncertain significance for WFS1-Related Spectrum Disorders. Last evaluated: 2017-06-20. Review status: criteria provided, single submitter. Criteria: ICSL Variant Classification Criteria 13 December 2019. Collection method: clinical testing. Allele origin: germline.
Comment: This variant was observed as part of a predisposition screen in an ostensibly healthy population. A literature search was performed for the gene, cDNA change, and amino acid change (where applicable). Publications were found based on this search. However, the evidence from the literature, in combination with allele frequency data from public databases where available, was not sufficient to rule this variant in or out of causing disease. Therefore, this variant is classified as a variant of unknown significance.

Department of Ophthalmology and Visual Sciences Kyoto University
Classification: Likely benign. Review status: no assertion criteria provided. Collection method: not provided. Allele origin: unknown. Not counted in ClinVar's aggregate classification.
ClinVar note: Converted during submission from probable-non-pathogenic to Likely benign.

Literature cited by the submitters: PubMed 17492394 (cited by Illumina Laboratory Services, Illumina); PubMed 23856252 (cited by Illumina Laboratory Services, Illumina); PubMed 15234338 (cited by Illumina Laboratory Services, Illumina).